The following is an entry in ClinVar:

ClinVar aggregate classification (germline): Pathogenic (1 of 4 stars; one submission).

Conditions:
Hereditary cancer-predisposing syndrome. Also called: Tumor predisposition; Hereditary Cancer Syndrome; Neoplastic Syndromes, Hereditary; Hereditary neoplastic syndrome. Identifiers: Orphanet 140162, MedGen C0027672, MeSH D009386, MONDO:0015356.

Submission:

Ambry Genetics
Classification: Pathogenic for Hereditary cancer-predisposing syndrome. Last evaluated: 2019-04-18. Review status: criteria provided, single submitter. Criteria: Ambry Variant Classification Scheme 2023. Collection method: clinical testing. Allele origin: germline.
Comment: The c.1100_1131del32 pathogenic mutation, located in coding exon 7 of the MEN1 gene, results from a deletion of 32 nucleotides at nucleotide positions 1100 to 1131, causing a translational frameshift with a predicted alternate stop codon (p.V367Gfs*31). This alteration is expected to result in loss of function by premature protein truncation or nonsense-mediated mRNA decay. As such, this alteration is interpreted as a disease-causing mutation.

NM_001370259.2(MEN1):c.1100_1131del (p.Val367fs)

Gene: MEN1 (menin 1; minus strand). Cytogenetic location: 11q13.1.
Variant type: Deletion.
Coding change: c.1100_1131del on transcript NM_001370259.2 (MANE Select); coding-DNA positions 1100 to 1131, 32 bases deleted.
Protein change: p.Val367fs; shifts the reading frame from valine 367.
Molecular consequence: frameshift variant.
Genome position (GRCh38, 1-based): chr11:64,805,689-64,805,720, 32 bases deleted; deleting any 32 consecutive bases within chr11:64,805,689-64,805,725 gives the same sequence; the c. name uses the placement nearest the transcript's 3' end. GRCh37 (hg19): chr11:64,573,166-64,573,197.
Other names: c.1100_1131del32 (NM_130799.2); c.1115_1146del, p.Val372fs (NM_000244.4, NM_130800.3, NM_130801.3 and 3 more transcripts); c.1226_1257del, p.Val409fs (NM_001370251.2); c.1100_1131del, p.Val367fs (NM_001370260.2, NM_001370261.2, NM_130799.3); c.995_1026del, p.Val332fs (NM_001370262.2, NM_001370263.2); short protein forms V372fs, V332fs, V367fs, V409fs.
Identifiers: ClinVar variation 822170 (VCV000822170.5), dbSNP rs1592640213, ClinGen allele CA915948176.
Genomic context (GRCh38, chr11:64,805,688, plus strand): 5'-CTTTCACCTGGCTTTGCTCCCCCGGCCGCTCCTCGCCCGCCTCCAGCAAGCTGGCTGCCT[CCTTCAGCAGGTTGGGGATGACATCATTGGCTA>C]CTTCAAAGAACTCCTTGTAGATCTCCTCGTCTTCCCGGCAGTAGTTGTAGCTGTGAGAGC-3'